The following is an entry in ClinVar:

ClinVar aggregate classification (germline): Pathogenic/Likely pathogenic. Review status: criteria provided, multiple submitters, no conflicts (2 of 4 stars). 4 submissions from 4 submitters: Pathogenic (2); Likely pathogenic (1). 1 of the submissions does not count toward it. Last evaluated 2025-09-15.

Conditions:
Charcot-Marie-Tooth disease. Also called: Charcot-Marie-Tooth Hereditary Neuropathy; Charcot-Marie-Tooth Neuropathy. Identifiers: Orphanet 166, MedGen C0007959, MONDO:0015626.
Susceptibility to mononeuropathy of the median nerve, mild. Also called: CARPAL TUNNEL SYNDROME, SUSCEPTIBILITY TO. Identifiers: MedGen C3150596, MONDO:0013237, OMIM 613353.
Charcot-Marie-Tooth disease type 4C (CMT4C). Also called: Charcot-Marie-Tooth Neuropathy Type 4C (CMT4C); SH3TC2-Related Hereditary Motor and Sensory Neuropathy; CHARCOT-MARIE-TOOTH DISEASE, DEMYELINATING, AUTOSOMAL RECESSIVE, TYPE 4C; CHARCOT-MARIE-TOOTH DISEASE, DEMYELINATING, TYPE 4C; CMT 4C. Identifiers: Orphanet 99949, MedGen C1866636, MONDO:0011113, OMIM 601596.
Charcot-Marie-Tooth disease type 4. Also called: Charcot-Marie-Tooth, Type 4; Charcot-Marie-Tooth disease, type IV. Identifiers: Orphanet 64749, MedGen C4082197, MONDO:0018995.

Submissions (4):

Labcorp Genetics (formerly Invitae), Labcorp
Classification: Pathogenic for Charcot-Marie-Tooth disease type 4. Last evaluated: 2025-09-15. Review status: criteria provided, single submitter. Criteria: Invitae Variant Classification Sherloc (09022015). Collection method: clinical testing. Allele origin: germline.
Comment: This sequence change creates a premature translational stop signal (p.Gln460*) in the SH3TC2 gene. It is expected to result in an absent or disrupted protein product. Loss-of-function variants in SH3TC2 are known to be pathogenic (PMID: 20220177, 27068304). This variant is not present in population databases (gnomAD no frequency). This premature translational stop signal has been observed in individual(s) with Charcot-Marie-Tooth disease (PMID: 25614874). ClinVar contains an entry for this variant (Variation ID: 637510). Algorithms developed to predict the effect of sequence changes on RNA splicing suggest that this variant may create or strengthen a splice site. For these reasons, this variant has been classified as Pathogenic.

Fulgent Genetics
Classification: Likely pathogenic for Charcot-Marie-Tooth disease type 4C; Susceptibility to mononeuropathy of the median nerve, mild. Last evaluated: 2021-08-24. Review status: criteria provided, single submitter. Criteria: ACMG Guidelines, 2015. Collection method: clinical testing. Allele origin: unknown.

Molecular Diagnostics Laboratory, M Health Fairview: University of Minnesota
Classification: Pathogenic for Charcot-Marie-Tooth disease type 4C. Last evaluated: 2020-02-26. Review status: criteria provided, single submitter. Criteria: ACMG Guidelines, 2015. Collection method: clinical testing. Allele origin: germline. Affected: yes. Observed: 1 variant allele.

Inherited Neuropathy Consortium
Classification: Pathogenic for Charcot-Marie-Tooth disease. Review status: no assertion criteria provided. Collection method: literature only. Allele origin: germline. Affected: yes. Not counted in ClinVar's aggregate classification.

Literature cited by the submitters: PubMed 20220177 (cited by Labcorp Genetics (formerly Invitae), Labcorp); PubMed 27068304 (cited by Labcorp Genetics (formerly Invitae), Labcorp); PubMed 25614874 (cited by Labcorp Genetics (formerly Invitae), Labcorp and Inherited Neuropathy Consortium).

NM_024577.4(SH3TC2):c.1378C>T (p.Gln460Ter)

Gene: SH3TC2 (SH3 domain and tetratricopeptide repeats 2; minus strand). Cytogenetic location: 5q32.
Variant type: single nucleotide variant.
Coding change: c.1378C>T on transcript NM_024577.4 (MANE Select); coding-DNA position 1378, C replaced by T.
Protein change: p.Gln460Ter; replaces glutamine 460 with a stop codon.
Molecular consequence: nonsense.
Genome position (GRCh38, 1-based): chr5:149,028,354, G>A on the plus strand (C>T on the coding strand, the complement: SH3TC2 is on the minus strand). VCF-style: chr5-149028354-G-A. GRCh37 (hg19) VCF-style: chr5-148407917-G-A.
Other names: short protein forms Q460*.
Identifiers: ClinVar variation 637510 (VCV000637510.12), dbSNP rs1580901350, ClinGen allele CA361668970.